The following is an entry in ClinVar:

ClinVar aggregate classification (germline): Uncertain significance (1 of 4 stars; one submission).

Submission:

Labcorp Genetics (formerly Invitae), Labcorp
Classification: Uncertain significance. Last evaluated: 2025-06-11. Review status: criteria provided, single submitter. Criteria: Invitae Variant Classification Sherloc (09022015). Collection method: clinical testing. Allele origin: germline.
Comment: This sequence change replaces proline, which is neutral and non-polar, with leucine, which is neutral and non-polar, at codon 156 of the SSR4 protein (p.Pro156Leu). This variant is not present in population databases (gnomAD no frequency). This variant has not been reported in the literature in individuals affected with SSR4-related conditions. Experimental studies and prediction algorithms are not available or were not evaluated, and the functional significance of this variant is currently unknown. In summary, the available evidence is currently insufficient to determine the role of this variant in disease. Therefore, it has been classified as a Variant of Uncertain Significance.

NM_006280.3(SSR4):c.434C>T (p.Pro145Leu)

Gene: SSR4 (signal sequence receptor subunit 4; plus strand). Cytogenetic location: Xq28.
Variant type: single nucleotide variant.
Coding change: c.434C>T on transcript NM_006280.3 (MANE Select); coding-DNA position 434, C replaced by T.
Protein change: p.Pro145Leu; replaces proline 145 with leucine.
Molecular consequence: missense variant. On other transcripts: non-coding transcript variant (1).
Genome position (GRCh38, 1-based): chrX:153,798,345, C>T. VCF-style: chrX-153798345-C-T. GRCh37 (hg19) VCF-style: chrX-153063800-C-T.
Other names: c.467C>T, p.Pro156Leu (NM_001204526.2); c.458C>T, p.Pro153Leu (NM_001204527.2); c.515C>T, p.Pro172Leu (NM_001440795.1); c.434C>T, p.Pro145Leu (NM_001440796.1); short protein forms P153L, P145L, P156L, P172L.
Identifiers: ClinVar variation 4695218 (VCV004695218.1).